The following is an entry in ClinVar:

ClinVar aggregate classification (germline): Uncertain significance. Review status: criteria provided, multiple submitters, no conflicts (2 of 4 stars). 2 submissions from 2 submitters: Uncertain significance (2). Last evaluated 2025-12-09.

Conditions:
Inborn genetic diseases. Identifiers: MedGen C0950123, MeSH D030342.
Hereditary spastic paraplegia 54. Also called: Spastic paraplegia 54, autosomal recessive. Identifiers: Orphanet 320380, MedGen C3539495, MONDO:0014018, OMIM 615033.

Allele frequency attached by ClinVar (database versions not stated): gnomAD below 0.00001 and 0.00001; TOPMed 0.00001.
gnomAD v4.1: 20 of 1,613,976 alleles (0.0012%); highest among the groups gnomAD compares: South Asian, 0.0044%; no homozygotes.

Submissions (2):

Ambry Genetics
Classification: Uncertain significance for Inborn genetic diseases. Last evaluated: 2025-12-09. Review status: criteria provided, single submitter. Criteria: Ambry Variant Classification Scheme 2023. Collection method: clinical testing. Allele origin: germline.

Labcorp Genetics (formerly Invitae), Labcorp
Classification: Uncertain significance for Hereditary spastic paraplegia 54. Last evaluated: 2023-06-30. Review status: criteria provided, single submitter. Criteria: Invitae Variant Classification Sherloc (09022015). Collection method: clinical testing. Allele origin: germline.
Comment: This sequence change replaces arginine, which is basic and polar, with glutamine, which is neutral and polar, at codon 595 of the DDHD2 protein (p.Arg595Gln). This variant is present in population databases (rs754698552, gnomAD 0.006%). This variant has not been reported in the literature in individuals affected with DDHD2-related conditions. ClinVar contains an entry for this variant (Variation ID: 950284). Advanced modeling of protein sequence and biophysical properties (such as structural, functional, and spatial information, amino acid conservation, physicochemical variation, residue mobility, and thermodynamic stability) performed at Invitae indicates that this missense variant is not expected to disrupt DDHD2 protein function. In summary, the available evidence is currently insufficient to determine the role of this variant in disease. Therefore, it has been classified as a Variant of Uncertain Significance.

NM_015214.3(DDHD2):c.1784G>A (p.Arg595Gln)

Gene: DDHD2 (DDHD domain containing 2; plus strand). Cytogenetic location: 8p11.23.
Variant type: single nucleotide variant.
Coding change: c.1784G>A on transcript NM_015214.3 (MANE Select); coding-DNA position 1784, G replaced by A.
Protein change: p.Arg595Gln; replaces arginine 595 with glutamine.
Molecular consequence: missense variant. On other transcripts: non-coding transcript variant (2).
Genome position (GRCh38, 1-based): chr8:38,253,020, G>A. VCF-style: chr8-38253020-G-A. GRCh37 (hg19) VCF-style: chr8-38110538-G-A.
Other names: c.1784G>A, p.Arg595Gln (NM_001164232.2, NM_001362911.2, NM_001362912.2 and 1 more transcripts); c.1694G>A, p.Arg565Gln (NM_001362913.2); short protein forms R565Q, R595Q.
Identifiers: ClinVar variation 950284 (VCV000950284.7), dbSNP rs754698552, ClinGen allele CA4716368.